The following is an entry in ClinVar:

ClinVar aggregate classification (germline): Likely benign. Review status: criteria provided, single submitter (1 of 4 stars). 2 submissions from 2 submitters: Likely benign (1). 1 of the submissions does not count toward it. Last evaluated 2025-10-06.

Conditions:
LRRK1-related disorder. Also called: LRRK1-related condition.

Allele frequency attached by ClinVar (database versions not stated): ExAC 0.00003; gnomAD exomes 0.00006 and 0.00008; TOPMed 0.00007; gnomAD 0.00010.
gnomAD v4.1: 137 of 1,608,798 alleles (0.0085%); highest among the groups gnomAD compares: Middle Eastern, 0.034%; no homozygotes.

Submissions (2):

Labcorp Genetics (formerly Invitae), Labcorp
Classification: Likely benign. Last evaluated: 2025-10-06. Review status: criteria provided, single submitter. Criteria: Invitae Variant Classification Sherloc (09022015). Collection method: clinical testing. Allele origin: germline.

PreventionGenetics, part of Exact Sciences
Classification: Likely benign for LRRK1-related condition. Last evaluated: 2019-11-22. Review status: no assertion criteria provided. Collection method: clinical testing. Allele origin: germline. Not counted in ClinVar's aggregate classification.
Comment: This variant is classified as likely benign based on ACMG/AMP sequence variant interpretation guidelines (Richards et al. 2015 PMID: 25741868, with internal and published modifications).

NM_024652.6(LRRK1):c.4794C>T (p.Thr1598=)

Genes: LRRK1-AS1 (LRRK1 antisense RNA 1; minus strand), LRRK1 (leucine rich repeat kinase 1; plus strand). Cytogenetic location: 15q26.3.
Variant type: single nucleotide variant.
Coding change: c.4794C>T on transcript NM_024652.6 (MANE Select); coding-DNA position 4794, C replaced by T.
Protein change: p.Thr1598=; no amino-acid change (threonine 1598 retained).
Molecular consequence: synonymous variant.
Genome position (GRCh38, 1-based): chr15:101,061,285, C>T. VCF-style: chr15-101061285-C-T. GRCh37 (hg19) VCF-style: chr15-101601490-C-T.
Other names: c.4794C>T (NM_024652.5).
Identifiers: ClinVar variation 1666493 (VCV001666493.10), dbSNP rs772351008, ClinGen allele CA7761956.